The following is an entry in ClinVar:

NM_020778.5(ALPK3):c.564G>A (p.Lys188=)

Gene: ALPK3 (alpha kinase 3; plus strand). Cytogenetic location: 15q25.3.
Variant type: single nucleotide variant.
Coding change: c.564G>A on transcript NM_020778.5 (MANE Select); coding-DNA position 564, G replaced by A.
Protein change: p.Lys188=; no amino-acid change (lysine 188 retained).
Molecular consequence: synonymous variant.
Genome position (GRCh38, 1-based): chr15:84,839,843, G>A. VCF-style: chr15-84839843-G-A. GRCh37 (hg19) VCF-style: chr15-85383074-G-A.
Identifiers: ClinVar variation 1658021 (VCV001658021.11), dbSNP rs777335669, ClinGen allele CA7708997.

ClinVar aggregate classification (germline): Benign/Likely benign. Review status: criteria provided, multiple submitters, no conflicts (2 of 4 stars). 3 submissions from 3 submitters: Benign (1); Likely benign (2). Last evaluated 2025-12-21.

Conditions:
ALPK3-related disorder. Also called: ALPK3-related condition.
Cardiovascular phenotype. Identifiers: MedGen CN230736.

Allele frequency attached by ClinVar (database versions not stated): gnomAD 0.00001; TOPMed 0.00013; ExAC 0.00031.
gnomAD v4.1: 77 of 1,614,038 alleles (0.0048%); highest among the groups gnomAD compares: Admixed American, 0.12%; 1 homozygote.

Submissions (3):

Labcorp Genetics (formerly Invitae), Labcorp
Classification: Benign. Last evaluated: 2025-12-21. Review status: criteria provided, single submitter. Criteria: Invitae Variant Classification Sherloc (09022015). Collection method: clinical testing. Allele origin: germline.

PreventionGenetics, part of Exact Sciences
Classification: Likely benign for ALPK3-related condition. Last evaluated: 2025-12-09. Review status: criteria provided, single submitter. Criteria: ACMG Guidelines, 2015. Collection method: clinical testing. Allele origin: germline.
Comment: This variant is classified as likely benign based on ACMG/AMP sequence variant interpretation guidelines (Richards et al. 2015 PMID: 25741868, with internal and published modifications).

Ambry Genetics
Classification: Likely benign for Cardiovascular phenotype. Last evaluated: 2020-12-07. Review status: criteria provided, single submitter. Criteria: Ambry Variant Classification Scheme 2023. Collection method: clinical testing. Allele origin: germline.